The following is an entry in ClinVar:

ClinVar aggregate classification (germline): Uncertain significance. Review status: criteria provided, multiple submitters, no conflicts (2 of 4 stars). 2 submissions from 2 submitters: Uncertain significance (2). Last evaluated 2024-05-23.

Submissions (2):

GeneDx
Classification: Uncertain significance. Last evaluated: 2024-05-23. Review status: criteria provided, single submitter. Criteria: GeneDx Variant Classification Process June 2021. Collection method: clinical testing. Allele origin: germline. Affected: yes.
Comment: Not observed in large population cohorts (gnomAD); Missense variants in this gene are often considered pathogenic (HGMD); In silico analysis supports that this missense variant does not alter protein structure/function; Has not been previously published as pathogenic or benign to our knowledge

CeGaT Center for Human Genetics Tuebingen
Classification: Uncertain significance. Last evaluated: 2022-12-01. Review status: criteria provided, single submitter. Criteria: CeGaT Center For Human Genetics Tuebingen Variant Classification Criteria Version 2. Collection method: clinical testing. Allele origin: germline. Affected: yes. Observed: 1 variant allele.
Comment: SMC1A: PM2, PP2

NM_006306.4(SMC1A):c.2396G>A (p.Arg799Gln)

Gene: SMC1A (structural maintenance of chromosomes 1A; minus strand). Cytogenetic location: Xp11.22.
Variant type: single nucleotide variant.
Coding change: c.2396G>A on transcript NM_006306.4 (MANE Select); coding-DNA position 2396, G replaced by A.
Protein change: p.Arg799Gln; replaces arginine 799 with glutamine.
Molecular consequence: missense variant.
Genome position (GRCh38, 1-based): chrX:53,403,590, C>T on the plus strand (G>A on the coding strand, the complement: SMC1A is on the minus strand). VCF-style: chrX-53403590-C-T. GRCh37 (hg19) VCF-style: chrX-53430522-C-T.
Other names: c.2396G>A (NM_006306.2); c.2330G>A, p.Arg777Gln (NM_001281463.1); short protein forms R777Q, R799Q.
Identifiers: ClinVar variation 1879766 (VCV001879766.30), dbSNP rs2520919459, ClinGen allele CA413250948.
Genomic context (GRCh38, chrX:53,403,590, plus strand): 5'-GGCATGCCAATCTCTTCTACCAATCCTCCCACCTACCGCTTCTTGGCGATTTCATTCTGC[C>T]GTTTCACCTTTTCTTCCTCAAACTCCCGGATGTTGCGCACACCAATCTCCCGACAAAACT-3'
Protein context (NP_006297.2, residues 789-809): IREFEEEKVK[Arg799Gln]QNEIAKKRLE